The following is an entry in ClinVar:

NM_000092.5(COL4A4):c.3689G>T (p.Gly1230Val)

Gene: COL4A4 (collagen type IV alpha 4 chain; minus strand). Cytogenetic location: 2q36.3.
Variant type: single nucleotide variant.
Coding change: c.3689G>T on transcript NM_000092.5 (MANE Select); coding-DNA position 3689, G replaced by T.
Protein change: p.Gly1230Val; replaces glycine 1230 with valine.
Molecular consequence: missense variant.
Genome position (GRCh38, 1-based): chr2:227,032,165, C>A on the plus strand (G>T on the coding strand, the complement: COL4A4 is on the minus strand). VCF-style: chr2-227032165-C-A. GRCh37 (hg19) VCF-style: chr2-227896881-C-A.
Other names: p.(Gly1230Val); short protein forms G1230V.
Identifiers: ClinVar variation 3585774 (VCV003585774.2).

ClinVar aggregate classification (germline): Likely pathogenic. Review status: criteria provided, multiple submitters, no conflicts (2 of 4 stars). 2 submissions from 2 submitters: Likely pathogenic (2). Last evaluated 2026-05-13.

Conditions:
Autosomal recessive Alport syndrome (ATS2). Also called: COL4A4 Alport Syndrome and Thin Basement Membrane Nephropathy; ALPORT SYNDROME 2, AUTOSOMAL RECESSIVE; Alport syndrome type 2; COL4A3-Related Nephropathy. Identifiers: Orphanet 63, Orphanet 88919, MedGen C4746745, MONDO:0008762, OMIM 203780.
Hematuria, benign familial, 1 (BFH1). Also called: THIN MEMBRANE NEPHROPATHY. Identifiers: MedGen CN376803, MONDO:0007709, OMIM 141200.

Submissions (2):

Centre de Génétique Humaine, Institut de Pathologie Et de Génétique
Classification: Likely pathogenic for Autosomal recessive Alport syndrome. Last evaluated: 2026-05-13. Review status: criteria provided, single submitter. Criteria: ACMG Guidelines, 2015. Collection method: clinical testing. Allele origin: germline. Inheritance: Autosomal recessive inheritance. Affected: yes. Observed: 1 variant allele, 1 compound heterozygote. Segregation with disease not observed.
Comment: This missense variant involves a highly conserved glycine located in a ‘Gly-X-Y’ motif in collagenous region, which is characteristic of the pathogenic variants identified in the COL4A4 gene (PM1,PP2). This variant is rare: absent in gnomAD v4.1.0 database (PM2). Another missense variant affecting the same residue described as LP: c.3688C>T, p.(Gly1230Cys) in patient with ADAS, PMID: 33532864 (PM5). In silico analysis supports that this missensevariant has a deleterious effect (PP3). Described as LP in ClinVar (PP5)

Fulgent Genetics
Classification: Likely pathogenic for Hematuria, benign familial, 1; Autosomal recessive Alport syndrome. Last evaluated: 2024-02-29. Review status: criteria provided, single submitter. Criteria: ACMG Guidelines, 2015. Collection method: clinical testing. Allele origin: germline.